The following is an entry in ClinVar:

NM_000287.4(PEX6):c.1223C>T (p.Ser408Phe)

Gene: PEX6 (peroxisomal biogenesis factor 6; minus strand). Cytogenetic location: 6p21.1.
Variant type: single nucleotide variant.
Coding change: c.1223C>T on transcript NM_000287.4 (MANE Select); coding-DNA position 1223, C replaced by T.
Protein change: p.Ser408Phe; replaces serine 408 with phenylalanine.
Molecular consequence: missense variant. On other transcripts: non-coding transcript variant (1).
Genome position (GRCh38, 1-based): chr6:42,969,895, G>A on the plus strand (C>T on the coding strand, the complement: PEX6 is on the minus strand). VCF-style: chr6-42969895-G-A. GRCh37 (hg19) VCF-style: chr6-42937633-G-A.
Other names: c.959C>T, p.Ser320Phe (NM_001316313.2); short protein forms S320F, S408F.
Identifiers: ClinVar variation 4984773 (VCV004984773.1).
Genomic context (GRCh38, chr6:42,969,895, plus strand): 5'-AAATCGTTTCTACCCCCTGCGCTGGTCTACACCCATCCTTGGGGCCTCACCATGTACAAG[G>A]AGGTATGGGTGGTGTCGGCCAAGTAGGCACTGGCTGGTCCATCTGGAGCTTCCCCAACTG-3'
Protein context (NP_000278.3, residues 398-418): SAYLADTTHT[Ser408Phe]LYMVGSTLSP

ClinVar aggregate classification (germline): Uncertain significance (1 of 4 stars; one submission).

Conditions:
PEX6-related disorder. Also called: PEX6-related disorders; PEX6-related condition.

gnomAD v4.1: 19 of 1,614,082 alleles (0.0012%); highest among the groups gnomAD compares: Non-Finnish European, 0.0014%; no homozygotes.

Submission:

PreventionGenetics, part of Exact Sciences
Classification: Uncertain significance for PEX6-related condition. Last evaluated: 2025-12-11. Review status: criteria provided, single submitter. Criteria: ACMG Guidelines, 2015. Collection method: clinical testing. Allele origin: germline.
Comment: The PEX6 c.1223C>T variant is predicted to result in the amino acid substitution p.Ser408Phe. To our knowledge, this variant has not been reported in the literature or in a large population database (gnomAD), indicating this variant is rare. At this time, the clinical significance of this variant is uncertain due to the absence of conclusive functional and genetic evidence.